The following is an entry in ClinVar:

NM_001254.4(CDC6):c.712A>G (p.Thr238Ala)

Gene: CDC6 (cell division cycle 6; plus strand). Cytogenetic location: 17q21.2.
Variant type: single nucleotide variant.
Coding change: c.712A>G on transcript NM_001254.4 (MANE Select); coding-DNA position 712, A replaced by G.
Protein change: p.Thr238Ala; replaces threonine 238 with alanine.
Molecular consequence: missense variant.
Genome position (GRCh38, 1-based): chr17:40,293,507, A>G. VCF-style: chr17-40293507-A-G. GRCh37 (hg19) VCF-style: chr17-38449759-A-G.
Other names: short protein forms T238A.
Identifiers: ClinVar variation 210621 (VCV000210621.61), dbSNP rs4135010, ClinGen allele CA205289.

ClinVar aggregate classification (germline): Conflicting classifications of pathogenicity. Review status: criteria provided, conflicting classifications (1 of 4 stars). 4 submissions from 4 submitters: Uncertain significance (1); Likely benign (3). Last evaluated 2026-01-26.

Conditions:
Meier-Gorlin syndrome 5 (MGORS5). Identifiers: Orphanet 2554, MedGen C3151126, MONDO:0013432, OMIM 613805.

Allele frequency attached by ClinVar (database versions not stated): 1000 Genomes Project 0.00020; 1000 Genomes Project 30x 0.00047; gnomAD exomes 0.00159 and 0.00326; TOPMed 0.00161; ExAC 0.00179; gnomAD 0.00181 and 0.00192; ESP Exome Variant Server 0.00231.
gnomAD v4.1: 4,947 of 1,613,976 alleles (0.31%); highest among the groups gnomAD compares: Non-Finnish European, 0.4%; 13 homozygotes.

Submissions (4):

Labcorp Genetics (formerly Invitae), Labcorp
Classification: Likely benign. Last evaluated: 2026-01-26. Review status: criteria provided, single submitter. Criteria: Invitae Variant Classification Sherloc (09022015). Collection method: clinical testing. Allele origin: germline.

CeGaT Center for Human Genetics Tuebingen
Classification: Likely benign. Last evaluated: 2025-12-01. Review status: criteria provided, single submitter. Criteria: CeGaT Center For Human Genetics Tuebingen Variant Classification Criteria Version 2. Collection method: clinical testing. Allele origin: germline. Affected: yes. Observed: 2 variant alleles.
Comment: CDC6: BP4, BS2

Illumina Laboratory Services, Illumina
Classification: Likely benign for Meier-Gorlin syndrome 5. Last evaluated: 2018-01-12. Review status: criteria provided, single submitter. Criteria: ICSL Variant Classification Criteria 13 December 2019. Collection method: clinical testing. Allele origin: germline.
Comment: This variant was observed in the ICSL laboratory as part of a predisposition screen in an ostensibly healthy population. It had not been previously curated by ICSL or reported in the Human Gene Mutation Database (HGMD: prior to June 1st, 2018), and was therefore a candidate for classification through an automated scoring system. Utilizing variant allele frequency, disease prevalence and penetrance estimates, and inheritance mode, an automated score was calculated to assess if this variant is too frequent to cause the disease. Based on the score and internal cut-off values, a variant classified as likely benign is not then subjected to further curation. The score for this variant resulted in a classification of likely benign for this disease.

Genetic Services Laboratory, University of Chicago
Classification: Uncertain significance. Last evaluated: 2014-08-29. Review status: criteria provided, single submitter. Criteria: ACMG Guidelines, 2015. Collection method: clinical testing. Allele origin: germline.